The following is an entry in ClinVar:

NM_006231.4(POLE):c.5779_5783del (p.Gly1927fs)

Gene: POLE (DNA polymerase epsilon, catalytic subunit; minus strand). Cytogenetic location: 12q24.33.
Variant type: Deletion.
Coding change: c.5779_5783del on transcript NM_006231.4 (MANE Select); coding-DNA positions 5779 to 5783, 5 bases deleted (GGAAA; older notation c.5779_5783delGGAAA).
Protein change: p.Gly1927fs; shifts the reading frame from glycine 1927.
Molecular consequence: frameshift variant.
Genome position (GRCh38, 1-based): chr12:132,635,920-132,635,924, TTTCC deleted on the plus strand (GGAAA on the coding strand, the reverse complement: POLE is on the minus strand); deleting any 5 consecutive bases within chr12:132,635,920-132,635,927 gives the same sequence; the c. name uses the placement nearest the transcript's 3' end. VCF-style (leftmost placement, unchanged base first): chr12-132635919-TTTTCC-T. GRCh37 (hg19) VCF-style: chr12-133212505-TTTTCC-T.
Other names: short protein forms G1927fs.
Identifiers: ClinVar variation 1476578 (VCV001476578.6), dbSNP rs2138485176, ClinGen allele CA2573148309.

ClinVar aggregate classification (germline): Pathogenic (1 of 4 stars; one submission).

Submission:

Labcorp Genetics (formerly Invitae), Labcorp
Classification: Pathogenic. Last evaluated: 2022-05-12. Review status: criteria provided, single submitter. Criteria: Invitae Variant Classification Sherloc (09022015). Collection method: clinical testing. Allele origin: germline.
Comment: This variant has not been reported in the literature in individuals affected with POLE-related conditions. This variant is not present in population databases (gnomAD no frequency). This sequence change creates a premature translational stop signal (p.Gly1927Serfs*21) in the POLE gene. It is expected to result in an absent or disrupted protein product. Loss-of-function variants in POLE are known to be pathogenic (PMID: 23230001, 25948378, 30503519). For these reasons, this variant has been classified as Pathogenic.

Literature cited by the submitters: PubMed 23230001; PubMed 25948378; PubMed 30503519.